The following is an entry in ClinVar:

NM_001267550.2(TTN):c.58124A>G (p.Lys19375Arg)

Genes: TTN (titin; minus strand), TTN-AS1 (TTN antisense RNA 1; plus strand). Cytogenetic location: 2q31.2.
Variant type: single nucleotide variant.
Coding change: c.58124A>G on transcript NM_001267550.2 (MANE Select); coding-DNA position 58124, A replaced by G.
Protein change: p.Lys19375Arg; replaces lysine 19375 with arginine.
Molecular consequence: missense variant.
Genome position (GRCh38, 1-based): chr2:178,594,370, T>C on the plus strand (A>G on the coding strand, the complement: TTN is on the minus strand). VCF-style: chr2-178594370-T-C. GRCh37 (hg19) VCF-style: chr2-179459097-T-C.
Other names: p.Lys16807Arg; c.53201A>G, p.Lys17734Arg (NM_001256850.1); c.30929A>G, p.Lys10310Arg (NM_003319.4); c.50420A>G, p.Lys16807Arg (NM_133378.4); c.31304A>G, p.Lys10435Arg (NM_133432.3); c.31505A>G, p.Lys10502Arg (NM_133437.4); short protein forms K10310R, K10435R, K10502R, K16807R, K17734R, K19375R.
Identifiers: ClinVar variation 1329166 (VCV001329166.3), dbSNP rs374594411, ClinGen allele CA1992928.

ClinVar aggregate classification (germline): Uncertain significance. Review status: criteria provided, multiple submitters, no conflicts (2 of 4 stars). 2 submissions from 2 submitters: Uncertain significance (2). Last evaluated 2025-08-02.

Conditions:
Cardiomyopathy (CMYO). Also called: Cardiomyopathies. Identifiers: Orphanet 167848, MedGen C0878544, MONDO:0004994, HP:0001638. Inheritance: Various modes of inheritance.

Allele frequency attached by ClinVar (database versions not stated): ExAC 0.00002; gnomAD exomes 0.00002; gnomAD 0.00004; TOPMed 0.00003; ESP Exome Variant Server 0.00008.
gnomAD v4.1: 28 of 1,596,642 alleles (0.0018%); highest among the groups gnomAD compares: Middle Eastern, 0.017%; no homozygotes.

Submissions (2):

Mayo Clinic Laboratories, Mayo Clinic
Classification: Uncertain significance. Last evaluated: 2025-08-02. Review status: criteria provided, single submitter. Criteria: ACMG Guidelines, 2015. Collection method: clinical testing. Allele origin: germline. Observed: 1 variant allele.
Comment: BP4

CHEO Genetics Diagnostic Laboratory, Children's Hospital of Eastern Ontario
Classification: Uncertain significance for Cardiomyopathy. Last evaluated: 2019-06-28. Review status: criteria provided, single submitter. Criteria: ACMG Guidelines, 2015. Collection method: clinical testing. Allele origin: germline.